The following is an entry in ClinVar:

ClinVar aggregate classification (germline): Likely benign. Review status: criteria provided, multiple submitters, no conflicts (2 of 4 stars). 2 submissions from 2 submitters: Likely benign (2). Last evaluated 2025-11-09.

Conditions:
Dilated cardiomyopathy 1G (CMD1G). Identifiers: Orphanet 154, MedGen C1858763, MONDO:0011400, OMIM 604145.
Autosomal recessive limb-girdle muscular dystrophy type 2J (LGMDR10). Also called: MUSCULAR DYSTROPHY, LIMB-GIRDLE, AUTOSOMAL RECESSIVE 10; Limb-girdle muscular dystrophy, type 2J. Identifiers: Orphanet 140922, MedGen C1837342, MONDO:0012127, OMIM 608807.

Allele frequency attached by ClinVar (database versions not stated): TOPMed below 0.00001; gnomAD 0.00001; ExAC 0.00002; gnomAD exomes 0.00003.
gnomAD v4.1: 42 of 1,612,460 alleles (0.0026%); highest among the groups gnomAD compares: Non-Finnish European, 0.0035%; no homozygotes.

Submissions (2):

Labcorp Genetics (formerly Invitae), Labcorp
Classification: Likely benign for Dilated cardiomyopathy 1G; Autosomal recessive limb-girdle muscular dystrophy type 2J. Last evaluated: 2025-11-09. Review status: criteria provided, single submitter. Criteria: Invitae Variant Classification Sherloc (09022015). Collection method: clinical testing. Allele origin: germline.

Women's Health and Genetics/Laboratory Corporation of America, LabCorp
Classification: Likely benign. Last evaluated: 2023-09-16. Review status: criteria provided, single submitter. Criteria: LabCorp Variant Classification Summary - May 2015. Collection method: clinical testing. Allele origin: germline.
Comment: Variant summary: TTN c.47566-10T>C alters a conserved nucleotide located at a position not widely known to affect splicing. Consensus agreement among computation tools predict no significant impact on normal splicing. However, these predictions have yet to be confirmed by functional studies. The variant allele was found at a frequency of 8.1e-06 in 247582 control chromosomes (i.e., 2 heterozygotes; gnomAD v2.1 Exomes dataset). The available data on variant occurrences in the general population are insufficient to allow any conclusion about variant significance. To our knowledge, no occurrence of c.47566-10T>C in individuals affected with Limb-Girdle Muscular Dystrophy, Type 2J and no experimental evidence demonstrating its impact on protein function have been reported. One submitter has reported clinical-significance assessments for this variant to ClinVar after 2014 and has classified the variant as likely benign. Based on the evidence outlined above, the variant was classified as likely benign.

NM_001267550.2(TTN):c.55270-10T>C

Genes: TTN-AS1 (TTN antisense RNA 1; plus strand), TTN (titin; minus strand). Cytogenetic location: 2q31.2.
Variant type: single nucleotide variant.
Coding change: c.55270-10T>C on transcript NM_001267550.2 (MANE Select); 10 bases into the intron before coding-DNA position 55270, T replaced by C.
Molecular consequence: intron variant.
Genome position (GRCh38, 1-based): chr2:178,601,924, A>G on the plus strand (T>C on the coding strand, the complement: TTN is on the minus strand). VCF-style: chr2-178601924-A-G. GRCh37 (hg19) VCF-style: chr2-179466651-A-G.
Other names: c.28075-10T>C (NM_003319.4); c.28651-10T>C (NM_133437.4); c.28450-10T>C (NM_133432.3); c.47566-10T>C (NM_133378.4); c.50347-10T>C (NM_001256850.1).
Identifiers: ClinVar variation 2036983 (VCV002036983.5), dbSNP rs774170779, ClinGen allele CA1993498.